The following is an entry in ClinVar:

NM_001430.5(EPAS1):c.2457G>A (p.Val819=)

Gene: EPAS1 (endothelial PAS domain protein 1; plus strand). Cytogenetic location: 2p21.
Variant type: single nucleotide variant.
Coding change: c.2457G>A on transcript NM_001430.5 (MANE Select); coding-DNA position 2457, G replaced by A.
Protein change: p.Val819=; no amino-acid change (valine 819 retained).
Molecular consequence: synonymous variant.
Genome position (GRCh38, 1-based): chr2:46,382,594, G>A. VCF-style: chr2-46382594-G-A. GRCh37 (hg19) VCF-style: chr2-46609733-G-A.
Other names: p.Val819=.
Identifiers: ClinVar variation 336279 (VCV000336279.44), dbSNP rs149994721, ClinGen allele CA1645358.

ClinVar aggregate classification (germline): Conflicting classifications of pathogenicity. Review status: criteria provided, conflicting classifications (1 of 4 stars). 9 submissions from 9 submitters: Uncertain significance (2); Benign (5); Likely benign (1). 1 of the submissions does not count toward it. Last evaluated 2026-01-21.

Conditions:
EPAS1-related disorder. Also called: EPAS1-related condition.
Erythrocytosis, familial, 4 (ECYT4). Identifiers: Orphanet 247511, MedGen C2673187, MONDO:0012729, OMIM 611783.

Allele frequency attached by ClinVar (database versions not stated): 1000 Genomes Project 0.00060; 1000 Genomes Project 30x 0.00062; TOPMed 0.00155; gnomAD exomes 0.00190 and 0.00246; ESP Exome Variant Server 0.00192; gnomAD 0.00204 and 0.00213; ExAC 0.00210.
gnomAD v4.1: 3,853 of 1,614,102 alleles (0.24%); highest among the groups gnomAD compares: Non-Finnish European, 0.29%; 3 homozygotes.

Submissions (9):

Labcorp Genetics (formerly Invitae), Labcorp
Classification: Benign. Last evaluated: 2026-01-21. Review status: criteria provided, single submitter. Criteria: Invitae Variant Classification Sherloc (09022015). Collection method: clinical testing. Allele origin: germline.

Center for Genomic Medicine, Rigshospitalet, Copenhagen University Hospital
Classification: Uncertain significance. Last evaluated: 2025-12-29. Review status: criteria provided, single submitter. Criteria: ACMG Guidelines, 2015. Collection method: clinical testing. Allele origin: germline.

Mayo Clinic Laboratories, Mayo Clinic
Classification: Uncertain significance. Last evaluated: 2025-03-04. Review status: criteria provided, single submitter. Criteria: ACMG Guidelines, 2015. Collection method: clinical testing. Allele origin: germline. Observed: 1 variant allele.
Comment: PP3

CeGaT Center for Human Genetics Tuebingen
Classification: Benign. Last evaluated: 2025-01-01. Review status: criteria provided, single submitter. Criteria: CeGaT Center For Human Genetics Tuebingen Variant Classification Criteria Version 2. Collection method: clinical testing. Allele origin: germline. Affected: yes. Observed: 9 variant alleles.
Comment: EPAS1: BS1, BS2

Blueprint Genetics
Classification: Likely benign. Last evaluated: 2024-11-06. Review status: criteria provided, single submitter. Criteria: ACMG Guidelines, 2015. Collection method: clinical testing. Allele origin: germline.

ARUP Laboratories, Molecular Genetics and Genomics, ARUP Laboratories
Classification: Benign for Erythrocytosis, familial, 4. Last evaluated: 2024-05-03. Review status: criteria provided, single submitter. Criteria: ARUP Molecular Germline Variant Investigation Process 2024. Collection method: clinical testing. Allele origin: germline.

Illumina Laboratory Services, Illumina
Classification: Benign for Erythrocytosis, familial, 4. Last evaluated: 2018-01-13. Review status: criteria provided, single submitter. Criteria: ICSL Variant Classification Criteria 13 December 2019. Collection method: clinical testing. Allele origin: germline.
Comment: This variant was observed in the ICSL laboratory as part of a predisposition screen in an ostensibly healthy population. It had not been previously curated by ICSL or reported in the Human Gene Mutation Database (HGMD: prior to June 1st, 2018), and was therefore a candidate for classification through an automated scoring system. Utilizing variant allele frequency, disease prevalence and penetrance estimates, and inheritance mode, an automated score was calculated to assess if this variant is too frequent to cause the disease. Based on the score and internal cut-off values, a variant classified as benign is not then subjected to further curation. The score for this variant resulted in a classification of benign for this disease.

Breakthrough Genomics
Classification: Benign. Review status: criteria provided, single submitter. Criteria: ACMG Guidelines, 2015. Collection method: not provided. Allele origin: germline. Inheritance: Autosomal dominant inheritance. Affected: yes.

PreventionGenetics, part of Exact Sciences
Classification: Likely benign for EPAS1-related condition. Last evaluated: 2020-09-23. Review status: no assertion criteria provided. Collection method: clinical testing. Allele origin: germline. Not counted in ClinVar's aggregate classification.
Comment: This variant is classified as likely benign based on ACMG/AMP sequence variant interpretation guidelines (Richards et al. 2015 PMID: 25741868, with internal and published modifications).